The following is an entry in ClinVar:

NM_002972.4(SBF1):c.2034G>A (p.Thr678=)

Gene: SBF1 (SET binding factor 1; minus strand). Cytogenetic location: 22q13.33.
Variant type: single nucleotide variant.
Coding change: c.2034G>A on transcript NM_002972.4 (MANE Select); coding-DNA position 2034, G replaced by A.
Protein change: p.Thr678=; no amino-acid change (threonine 678 retained).
Molecular consequence: synonymous variant.
Genome position (GRCh38, 1-based): chr22:50,462,652, C>T on the plus strand (G>A on the coding strand, the complement: SBF1 is on the minus strand). VCF-style: chr22-50462652-C-T. GRCh37 (hg19) VCF-style: chr22-50901081-C-T.
Other names: c.2037G>A, p.Thr679= (NM_001365819.1).
Identifiers: ClinVar variation 714271 (VCV000714271.47), dbSNP rs139798340, ClinGen allele CA10317385.

ClinVar aggregate classification (germline): Likely benign. Review status: criteria provided, multiple submitters, no conflicts (2 of 4 stars). 8 submissions from 8 submitters: Likely benign (6). 2 of the submissions do not count toward it. Last evaluated 2026-06-01.

Conditions:
Charcot-Marie-Tooth disease type 4B3. Also called: Charcot-Marie-Tooth Neuropathy Type 4B3; CHARCOT-MARIE-TOOTH DISEASE, DEMYELINATING, TYPE 4B3. Identifiers: Orphanet 363981, MedGen C3695063, MONDO:0014117, OMIM 615284.

Allele frequency attached by ClinVar (database versions not stated): 1000 Genomes Project 30x 0.00031; 1000 Genomes Project 0.00040; ExAC 0.00061; gnomAD exomes 0.00061; gnomAD 0.00066; TOPMed 0.00080; ESP Exome Variant Server 0.00118.

Submissions (8):

CeGaT Center for Human Genetics Tuebingen
Classification: Likely benign. Last evaluated: 2026-06-01. Review status: criteria provided, single submitter. Criteria: CeGaT Center For Human Genetics Tuebingen Variant Classification Criteria Version 2. Collection method: clinical testing. Allele origin: germline. Affected: yes. Observed: 8 variant alleles.
Comment: SBF1: BP4, BP7

Women's Health and Genetics/Laboratory Corporation of America, LabCorp
Classification: Likely benign. Last evaluated: 2026-03-27. Review status: criteria provided, single submitter. Criteria: LabCorp Variant Classification Summary - May 2015. Collection method: clinical testing. Allele origin: germline.

Labcorp Genetics (formerly Invitae), Labcorp
Classification: Likely benign. Last evaluated: 2026-01-15. Review status: criteria provided, single submitter. Criteria: Invitae Variant Classification Sherloc (09022015). Collection method: clinical testing. Allele origin: germline.

Blueprint Genetics
Classification: Likely benign. Last evaluated: 2024-11-06. Review status: criteria provided, single submitter. Criteria: ACMG Guidelines, 2015. Collection method: clinical testing. Allele origin: germline.

ARUP Laboratories, Molecular Genetics and Genomics, ARUP Laboratories
Classification: Likely benign for Charcot-Marie-Tooth disease type 4B3. Last evaluated: 2023-09-11. Review status: criteria provided, single submitter. Criteria: ARUP Molecular Germline Variant Investigation Process 2024. Collection method: clinical testing. Allele origin: germline.

GeneDx
Classification: Likely benign. Last evaluated: 2021-05-04. Review status: criteria provided, single submitter. Criteria: GeneDx Variant Classification Process June 2021. Collection method: clinical testing. Allele origin: germline. Affected: yes.

Clinical Genetics DNA and cytogenetics Diagnostics Lab, Erasmus MC, Erasmus Medical Center
Classification: Likely benign. Review status: no assertion criteria provided. Collection method: clinical testing. Allele origin: germline. Affected: yes. Study: VKGL Data-share Consensus. Not counted in ClinVar's aggregate classification.

Clinical Genetics, Academic Medical Center
Classification: Likely benign. Review status: no assertion criteria provided. Collection method: clinical testing. Allele origin: germline. Affected: yes. Study: VKGL Data-share Consensus. Not counted in ClinVar's aggregate classification.